The following is an entry in ClinVar:

NM_025137.4(SPG11):c.601G>C (p.Asp201His)

Gene: SPG11 (SPG11 vesicle trafficking associated, spatacsin; minus strand). Cytogenetic location: 15q21.1.
Variant type: single nucleotide variant.
Coding change: c.601G>C on transcript NM_025137.4 (MANE Select); coding-DNA position 601, G replaced by C.
Protein change: p.Asp201His; replaces aspartic acid 201 with histidine.
Molecular consequence: missense variant.
Genome position (GRCh38, 1-based): chr15:44,659,145, C>G on the plus strand (G>C on the coding strand, the complement: SPG11 is on the minus strand). VCF-style: chr15-44659145-C-G. GRCh37 (hg19) VCF-style: chr15-44951343-C-G.
Other names: c.601G>C, p.Asp201His (NM_001160227.2, NM_001411132.1); short protein forms D201H.
Identifiers: ClinVar variation 1751123 (VCV001751123.2), dbSNP rs2505768505, ClinGen allele CA392237709.

ClinVar aggregate classification (germline): Uncertain significance (1 of 4 stars; one submission).

Conditions:
Inborn genetic diseases. Identifiers: MedGen C0950123, MeSH D030342.

Submission:

Ambry Genetics
Classification: Uncertain significance for Inborn genetic diseases. Last evaluated: 2020-03-02. Review status: criteria provided, single submitter. Criteria: Ambry Variant Classification Scheme 2023. Collection method: clinical testing. Allele origin: germline.
Comment: The p.D201H variant (also known as c.601G>C), located in coding exon 3 of the SPG11 gene, results from a G to C substitution at nucleotide position 601. The aspartic acid at codon 201 is replaced by histidine, an amino acid with similar properties. This amino acid position is not well conserved in available vertebrate species. In addition, this alteration is predicted to be tolerated by in silico analysis. Since supporting evidence is limited at this time, the clinical significance of this alteration remains unclear.